The following is an entry in ClinVar:

ClinVar aggregate classification (germline): Likely pathogenic (1 of 4 stars; one submission).

Conditions:
Retinitis pigmentosa 19 (RP19). Also called: ABCA4-Related Retinitis Pigmentosa. Identifiers: Orphanet 791, MedGen C1866422, MONDO:0011137, OMIM 601718.

Submission:

Molecular Genetics and NGS Laboratory, Hospital Fundacion Valle Del Lili
Classification: Likely pathogenic for Retinitis pigmentosa 19. Last evaluated: 2024-08-15. Review status: criteria provided, single submitter. Criteria: ACMG Guidelines, 2015. Collection method: clinical testing. Allele origin: germline. Affected: yes. Observed: 1 variant allele.
Comment: Hot-spot of length 17 amino-acids has 16 missense/in-frame variants (10 pathogenic variants, 6 uncertain variants and no benign), which qualifies as moderate pathogenic.UniProt protein ABCA4_HUMAN has 305 missense/in-frame variants (217 pathogenic variants, 88 uncertain variants and no benign), which qualifies as moderate pathogenic (PM1). GnomAD genomes homozygous allele count = 1.

NM_000350.3(ABCA4):c.2279T>C (p.Leu760Pro)

Gene: ABCA4 (ATP binding cassette subfamily A member 4; minus strand). Cytogenetic location: 1p22.1.
Variant type: single nucleotide variant.
Coding change: c.2279T>C on transcript NM_000350.3 (MANE Select); coding-DNA position 2279, T replaced by C.
Protein change: p.Leu760Pro; replaces leucine 760 with proline.
Molecular consequence: missense variant. On other transcripts: intron variant (1).
Genome position (GRCh38, 1-based): chr1:94,056,704, A>G on the plus strand (T>C on the coding strand, the complement: ABCA4 is on the minus strand). VCF-style: chr1-94056704-A-G. GRCh37 (hg19) VCF-style: chr1-94522260-A-G.
Other names: p.Leu760Pro; c.2161-1389T>C (NM_001425324.1); short protein forms L760P.
Identifiers: ClinVar variation 3338646 (VCV003338646.2).